The following is an entry in ClinVar:

NM_001136271.3(NKX2-6):c.50T>C (p.Leu17Pro)

Gene: NKX2-6 (NK2 homeobox 6; minus strand). Cytogenetic location: 8p21.2.
Variant type: single nucleotide variant.
Coding change: c.50T>C on transcript NM_001136271.3 (MANE Select); coding-DNA position 50, T replaced by C.
Protein change: p.Leu17Pro; replaces leucine 17 with proline.
Molecular consequence: missense variant.
Genome position (GRCh38, 1-based): chr8:23,706,549, A>G on the plus strand (T>C on the coding strand, the complement: NKX2-6 is on the minus strand). VCF-style: chr8-23706549-A-G. GRCh37 (hg19) VCF-style: chr8-23564062-A-G.
Other names: short protein forms L17P.
Identifiers: ClinVar variation 1046880 (VCV001046880.5), dbSNP rs1197285444, ClinGen allele CA370603815.
Genomic context (GRCh38, chr8:23,706,549, plus strand): 5'-CTCTTCCGCACCCGCGGATGTGGCGAAGCCGCGGGGCAGCTCCGCTCGCGCTCCAGTCGC[A>G]GGATGTCCTTGACCGAGAAGGGGGTGGAGGTGACGGGGCTCAGCAGCATCCCGAAGGCGG-3'
Protein context (NP_001129743.2, residues 7-27): TSTPFSVKDI[Leu17Pro]RLERERSCPA

ClinVar aggregate classification (germline): Uncertain significance (1 of 4 stars; one submission).

Conditions:
Conotruncal heart malformations (CTHM). Also called: Conotruncal heart malformations, variable. Identifiers: Orphanet 2445, Orphanet 3384, Orphanet 3426, MedGen C1857586, MONDO:0016581, OMIM 217095.

Allele frequency attached by ClinVar (database versions not stated): TOPMed below 0.00001; gnomAD 0.00001; gnomAD exomes 0.00001.

Submission:

Labcorp Genetics (formerly Invitae), Labcorp
Classification: Uncertain significance for Conotruncal heart malformations. Last evaluated: 2020-10-25. Review status: criteria provided, single submitter. Criteria: Invitae Variant Classification Sherloc (09022015). Collection method: clinical testing. Allele origin: germline.
Comment: This variant has not been reported in the literature in individuals with NKX2-6-related conditions. In summary, the available evidence is currently insufficient to determine the role of this variant in disease. Therefore, it has been classified as a Variant of Uncertain Significance. Algorithms developed to predict the effect of missense changes on protein structure and function are either unavailable or do not agree on the potential impact of this missense change (SIFT: "Deleterious"; PolyPhen-2: "Probably Damaging"; Align-GVGD: "Class C0"). The frequency data for this variant in the population databases is considered unreliable, as metrics indicate insufficient coverage at this position in the ExAC database. This sequence change replaces leucine with proline at codon 17 of the NKX2-6 protein (p.Leu17Pro). The leucine residue is highly conserved and there is a moderate physicochemical difference between leucine and proline.